The following is an entry in ClinVar:

NM_005548.3(KARS1):c.886A>G (p.Met296Val)

Gene: KARS1 (lysyl-tRNA synthetase 1; minus strand). Cytogenetic location: 16q23.1.
Variant type: single nucleotide variant.
Coding change: c.886A>G on transcript NM_005548.3 (MANE Select); coding-DNA position 886, A replaced by G.
Protein change: p.Met296Val; replaces methionine 296 with valine.
Molecular consequence: missense variant.
Genome position (GRCh38, 1-based): chr16:75,634,202, T>C on the plus strand (A>G on the coding strand, the complement: KARS1 is on the minus strand). VCF-style: chr16-75634202-T-C. GRCh37 (hg19) VCF-style: chr16-75668100-T-C.
Other names: c.970A>G, p.Met324Val (NM_001130089.2); c.418A>G, p.Met140Val (NM_001378148.1); short protein forms M140V, M296V, M324V.
Identifiers: ClinVar variation 4875298 (VCV004875298.2).

ClinVar aggregate classification (germline): Uncertain significance (1 of 4 stars; one submission).

Submission:

CeGaT Center for Human Genetics Tuebingen
Classification: Uncertain significance. Last evaluated: 2026-06-01. Review status: criteria provided, single submitter. Criteria: CeGaT Center For Human Genetics Tuebingen Variant Classification Criteria Version 2. Collection method: clinical testing. Allele origin: germline. Affected: yes. Observed: 3 variant alleles.
Comment: KARS1: PM2, PM3:Supporting, PP3